The following is an entry in ClinVar:

ClinVar aggregate classification (germline): Uncertain significance. Review status: criteria provided, multiple submitters, no conflicts (2 of 4 stars). 5 submissions from 5 submitters: Uncertain significance (4). 1 of the submissions does not count toward it. Last evaluated 2023-07-31.

Conditions:
Fanconi anemia (FA). Also called: Fanconi's anemia. Identifiers: Orphanet 84, MedGen C0015625, MeSH D005199, MONDO:0019391.
Fanconi anemia complementation group G. Also called: FANCG-Related Fanconi Anemia; Fanconi anemia group G. Identifiers: Orphanet 84, MedGen C3469527, MONDO:0013565, OMIM 614082.
Inborn genetic diseases. Identifiers: MedGen C0950123, MeSH D030342.

Allele frequency attached by ClinVar (database versions not stated): gnomAD exomes below 0.00001 and 0.00001; gnomAD 0.00001; TOPMed 0.00002.
gnomAD v4.1: 16 of 1,614,064 alleles (0.00099%); highest among the groups gnomAD compares: South Asian, 0.0033%; no homozygotes.

Submissions (5):

Blueprint Genetics
Classification: Uncertain significance. Last evaluated: 2023-07-31. Review status: criteria provided, single submitter. Criteria: ACMG Guidelines, 2015. Collection method: clinical testing. Allele origin: germline.

Ambry Genetics
Classification: Uncertain significance for Inborn genetic diseases. Last evaluated: 2023-04-26. Review status: criteria provided, single submitter. Criteria: Ambry Variant Classification Scheme 2023. Collection method: clinical testing. Allele origin: germline.

Fulgent Genetics
Classification: Uncertain significance for Fanconi anemia complementation group G. Last evaluated: 2022-03-18. Review status: criteria provided, single submitter. Criteria: ACMG Guidelines, 2015. Collection method: clinical testing. Allele origin: unknown.

Labcorp Genetics (formerly Invitae), Labcorp
Classification: Uncertain significance for Fanconi anemia. Last evaluated: 2021-09-01. Review status: criteria provided, single submitter. Criteria: Invitae Variant Classification Sherloc (09022015). Collection method: clinical testing. Allele origin: germline.
Comment: This sequence change replaces arginine with glutamine at codon 563 of the FANCG protein (p.Arg563Gln). The arginine residue is highly conserved and there is a small physicochemical difference between arginine and glutamine. This variant is not present in population databases (ExAC no frequency). This variant has not been reported in the literature in individuals affected with FANCG-related conditions. Algorithms developed to predict the effect of missense changes on protein structure and function (SIFT, PolyPhen-2, Align-GVGD) all suggest that this variant is likely to be disruptive. In summary, the available evidence is currently insufficient to determine the role of this variant in disease. Therefore, it has been classified as a Variant of Uncertain Significance.

Natera, Inc.
Classification: Uncertain significance for Fanconi anemia group G. Last evaluated: 2020-09-11. Review status: no assertion criteria provided. Collection method: clinical testing. Allele origin: germline. Not counted in ClinVar's aggregate classification.

NM_004629.2(FANCG):c.1688G>A (p.Arg563Gln)

Gene: FANCG (FA complementation group G; minus strand). Cytogenetic location: 9p13.3.
Variant type: single nucleotide variant.
Coding change: c.1688G>A on transcript NM_004629.2 (MANE Select); coding-DNA position 1688, G replaced by A.
Protein change: p.Arg563Gln; replaces arginine 563 with glutamine.
Molecular consequence: missense variant.
Genome position (GRCh38, 1-based): chr9:35,074,443, C>T on the plus strand (G>A on the coding strand, the complement: FANCG is on the minus strand). VCF-style: chr9-35074443-C-T. GRCh37 (hg19) VCF-style: chr9-35074440-C-T.
Other names: short protein forms R563Q.
Identifiers: ClinVar variation 846051 (VCV000846051.10), dbSNP rs1309056736, ClinGen allele CA373300883.
Genomic context (GRCh38, chr9:35,074,443, plus strand): 5'-TCATGTGACCCCTTAGTTTGGGCCTCCAGCCTCCACCAGAGTGCAGTGGCCTCATCCCTC[C>T]GATCTAGCCTCTTCAGAGTCTGAAGCAGGTGAAAGTAAGTGTCTCGATTACCTGTAGCCC-3'
Protein context (NP_004620.1, residues 553-573): HLLQTLKRLD[Arg563Gln]RDEATALWWR